The following is an entry in ClinVar:

ClinVar aggregate classification (germline): Uncertain significance (1 of 4 stars; one submission).

Submission:

Labcorp Genetics (formerly Invitae), Labcorp
Classification: Uncertain significance. Last evaluated: 2023-01-13. Review status: criteria provided, single submitter. Criteria: Invitae Variant Classification Sherloc (09022015). Collection method: clinical testing. Allele origin: germline.
Comment: In summary, the available evidence is currently insufficient to determine the role of this variant in disease. Therefore, it has been classified as a Variant of Uncertain Significance. Algorithms developed to predict the effect of missense changes on protein structure and function (SIFT, PolyPhen-2, Align-GVGD) all suggest that this variant is likely to be tolerated. This variant has not been reported in the literature in individuals affected with NLRP1-related conditions. This variant is not present in population databases (gnomAD no frequency). This sequence change replaces phenylalanine, which is neutral and non-polar, with leucine, which is neutral and non-polar, at codon 984 of the NLRP1 protein (p.Phe984Leu).

NM_033004.4(NLRP1):c.2952C>A (p.Phe984Leu)

Gene: NLRP1 (NLR family pyrin domain containing 1; minus strand). Cytogenetic location: 17p13.2.
Variant type: single nucleotide variant.
Coding change: c.2952C>A on transcript NM_033004.4 (MANE Select); coding-DNA position 2952, C replaced by A.
Protein change: p.Phe984Leu; replaces phenylalanine 984 with leucine.
Molecular consequence: missense variant. On other transcripts: intron variant (2).
Genome position (GRCh38, 1-based): chr17:5,536,859, G>T on the plus strand (C>A on the coding strand, the complement: NLRP1 is on the minus strand). VCF-style: chr17-5536859-G-T. GRCh37 (hg19) VCF-style: chr17-5440179-G-T.
Other names: c.2952C>A, p.Phe984Leu (NM_001033053.3, NM_014922.5); c.2870+2556C>A (NM_033007.4, NM_033006.4); short protein forms F984L.
Identifiers: ClinVar variation 2828129 (VCV002828129.3), dbSNP rs2507836769, ClinGen allele CA397375602.